The following is an entry in ClinVar:

ClinVar aggregate classification (germline): Likely pathogenic (1 of 4 stars; one submission).

Conditions:
Early-infantile DEE. Also called: Early infantile epileptic encephalopathy with suppression bursts; Early infantile epileptic encephalopathy; Ohtahara syndrome. Identifiers: Orphanet 1934, MedGen C0393706, MONDO:0800491.

Allele frequency attached by ClinVar (database versions not stated): TOPMed below 0.00001.

Submission:

Labcorp Genetics (formerly Invitae), Labcorp
Classification: Likely pathogenic for Early-infantile DEE. Last evaluated: 2023-08-17. Review status: criteria provided, single submitter. Criteria: Invitae Variant Classification Sherloc (09022015). Collection method: clinical testing. Allele origin: germline.
Comment: Algorithms developed to predict the effect of sequence changes on RNA splicing suggest that this variant may disrupt the consensus splice site. In summary, the currently available evidence indicates that the variant is pathogenic, but additional data are needed to prove that conclusively. Therefore, this variant has been classified as Likely Pathogenic. ClinVar contains an entry for this variant (Variation ID: 1466794). This sequence change affects an acceptor splice site in intron 27 of the CACNA2D2 gene. It is expected to disrupt RNA splicing. Variants that disrupt the donor or acceptor splice site typically lead to a loss of protein function (PMID: 16199547), and loss-of-function variants in CACNA2D2 are known to be pathogenic (PMID: 24358150). This variant is not present in population databases (gnomAD no frequency). This variant has not been reported in the literature in individuals affected with CACNA2D2-related conditions.

Literature cited by the submitters: PubMed 16199547; PubMed 24358150.

NM_006030.4(CACNA2D2):c.2402-2A>C

Genes: CACNA2D2 (calcium voltage-gated channel auxiliary subunit alpha2delta 2; minus strand), LOC101928965 (uncharacterized LOC101928965; plus strand), LOC127898564 (CYB561D2-LOC101928965; plus strand). Cytogenetic location: 3p21.31.
Variant type: single nucleotide variant.
Coding change: c.2402-2A>C on transcript NM_006030.4 (MANE Select); the canonical splice acceptor site of the intron before coding-DNA position 2402, A replaced by C.
Molecular consequence: splice acceptor variant.
Genome position (GRCh38, 1-based): chr3:50,367,111, T>G on the plus strand (A>C on the coding strand, the complement: CACNA2D2 is on the minus strand). VCF-style: chr3-50367111-T-G. GRCh37 (hg19) VCF-style: chr3-50404542-T-G.
Other names: c.2195-2A>C (NM_001291101.1); c.2402-2A>C (NM_001005505.3, NM_001410768.1); c.2423-2A>C (NM_001174051.3).
Identifiers: ClinVar variation 1466794 (VCV001466794.9), dbSNP rs1378156947, ClinGen allele CA352912563.